The following is an entry in ClinVar:

ClinVar aggregate classification (germline): Uncertain significance. Review status: criteria provided, multiple submitters, no conflicts (2 of 4 stars). 2 submissions from 2 submitters: Uncertain significance (2). Last evaluated 2024-04-03.

Allele frequency attached by ClinVar (database versions not stated): ExAC 0.00001; gnomAD 0.00002; TOPMed 0.00004; ESP Exome Variant Server 0.00008.
gnomAD v4.1: 17 of 1,613,968 alleles (0.0011%); highest among the groups gnomAD compares: Non-Finnish European, 0.0014%; no homozygotes.

Submissions (3):

GeneDx
Classification: Uncertain significance. Last evaluated: 2024-04-03. Review status: criteria provided, single submitter. Criteria: GeneDx Variant Classification Process June 2021. Collection method: clinical testing. Allele origin: germline. Affected: yes.
Comment: In silico analysis supports a deleterious effect on splicing; In silico analysis supports that this missense variant does not alter protein structure/function; Has not been previously published as pathogenic or benign to our knowledge

Labcorp Genetics (formerly Invitae), Labcorp
Classification: Uncertain significance. Last evaluated: 2023-08-25. Review status: criteria provided, single submitter. Criteria: Invitae Variant Classification Sherloc (09022015). Collection method: clinical testing. Allele origin: germline.
Comment: In summary, the available evidence is currently insufficient to determine the role of this variant in disease. Therefore, it has been classified as a Variant of Uncertain Significance. Algorithms developed to predict the effect of sequence changes on RNA splicing suggest that this variant may create or strengthen a splice site. An algorithm developed to predict the effect of missense changes on protein structure and function (PolyPhen-2) suggests that this variant is likely to be tolerated. This variant has not been reported in the literature in individuals affected with ANKRD26-related conditions. This variant is present in population databases (rs369265533, gnomAD 0.005%). This sequence change replaces asparagine, which is neutral and polar, with lysine, which is basic and polar, at codon 58 of the ANKRD26 protein (p.Asn58Lys).

Dr. Peter K. Rogan Lab, Western University
No classification provided (evidence only). Condition: Sarcoma. Review status: no classification provided. Collection method: in vitro. Allele origin: not applicable. Functional consequence: cryptic splice site. Not counted in ClinVar's aggregate classification.

NM_014915.3(ANKRD26):c.174T>G (p.Asn58Lys)

Gene: ANKRD26 (ankyrin repeat domain 26; minus strand). Cytogenetic location: 10p12.1.
Variant type: single nucleotide variant.
Coding change: c.174T>G on transcript NM_014915.3 (MANE Select); coding-DNA position 174, T replaced by G.
Protein change: p.Asn58Lys; replaces asparagine 58 with lysine.
Molecular consequence: missense variant.
Genome position (GRCh38, 1-based): chr10:27,100,153, A>C on the plus strand (T>G on the coding strand, the complement: ANKRD26 is on the minus strand). VCF-style: chr10-27100153-A-C. GRCh37 (hg19) VCF-style: chr10-27389082-A-C.
Other names: c.174T>G, p.Asn58Lys (NM_001256053.2); short protein forms N58K.
Identifiers: ClinVar variation 2720611 (VCV002720611.5), dbSNP rs369265533, ClinGen allele CA5449038.